The following is an entry in ClinVar:

NM_001164508.2(NEB):c.19939A>G (p.Ser6647Gly)

Gene: NEB (nebulin; minus strand). Cytogenetic location: 2q23.3.
Variant type: single nucleotide variant.
Coding change: c.19939A>G on transcript NM_001164508.2 (MANE Select); coding-DNA position 19939, A replaced by G.
Protein change: p.Ser6647Gly; replaces serine 6647 with glycine.
Molecular consequence: missense variant.
Genome position (GRCh38, 1-based): chr2:151,551,743, T>C on the plus strand (A>G on the coding strand, the complement: NEB is on the minus strand). VCF-style: chr2-151551743-T-C. GRCh37 (hg19) VCF-style: chr2-152408257-T-C.
Other names: c.19939A>G, p.Ser6647Gly (NM_001164507.2, NM_001271208.2); c.14836A>G, p.Ser4946Gly (NM_004543.5); short protein forms S6647G, S4946G.
Identifiers: ClinVar variation 578845 (VCV000578845.11), dbSNP rs1559830688, ClinGen allele CA348787144.

ClinVar aggregate classification (germline): Uncertain significance. Review status: criteria provided, multiple submitters, no conflicts (2 of 4 stars). 3 submissions from 3 submitters: Uncertain significance (2). 1 of the submissions does not count toward it. Last evaluated 2022-02-05.

Conditions:
Nemaline myopathy 2 (NEM2). Also called: Nemaline myopathy 2, autosomal recessive. Identifiers: MedGen C1850569, MONDO:0009725, OMIM 256030.

Allele frequency attached by ClinVar (database versions not stated): gnomAD 0.00001; gnomAD exomes 0.00001; TOPMed 0.00001.
gnomAD v4.1: 21 of 1,613,228 alleles (0.0013%); highest among the groups gnomAD compares: Non-Finnish European, 0.0018%; no homozygotes.

Submissions (3):

Labcorp Genetics (formerly Invitae), Labcorp
Classification: Uncertain significance for Nemaline myopathy 2. Last evaluated: 2022-02-05. Review status: criteria provided, single submitter. Criteria: Invitae Variant Classification Sherloc (09022015). Collection method: clinical testing. Allele origin: germline.
Comment: This sequence change replaces serine, which is neutral and polar, with glycine, which is neutral and non-polar, at codon 6647 of the NEB protein (p.Ser6647Gly). This variant is not present in population databases (gnomAD no frequency). This variant has not been reported in the literature in individuals affected with NEB-related conditions. ClinVar contains an entry for this variant (Variation ID: 578845). Algorithms developed to predict the effect of missense changes on protein structure and function are either unavailable or do not agree on the potential impact of this missense change (SIFT: "Deleterious"; PolyPhen-2: "Not Available"; Align-GVGD: "Class C0"). In summary, the available evidence is currently insufficient to determine the role of this variant in disease. Therefore, it has been classified as a Variant of Uncertain Significance.

GeneDx
Classification: Uncertain significance. Last evaluated: 2020-01-27. Review status: criteria provided, single submitter. Criteria: GeneDx Variant Classification Process June 2021. Collection method: clinical testing. Allele origin: germline. Affected: yes.
Comment: Not observed in large population cohorts (Lek et al., 2016); In silico analysis, which includes protein predictors and evolutionary conservation, supports that this variant does not alter protein structure/function; Has not been previously published as pathogenic or benign to our knowledge

Natera, Inc.
Classification: Uncertain significance for Nemaline myopathy type 2. Last evaluated: 2020-08-22. Review status: no assertion criteria provided. Collection method: clinical testing. Allele origin: germline. Not counted in ClinVar's aggregate classification.